The following is an entry in ClinVar:

ClinVar aggregate classification (germline): Uncertain significance (1 of 4 stars; one submission).

Allele frequency attached by ClinVar (database versions not stated): ExAC 0.00002; gnomAD 0.00005; ESP Exome Variant Server 0.00015; 1000 Genomes Project 30x 0.00016; 1000 Genomes Project 0.00020.
gnomAD v4.1: 14 of 1,576,028 alleles (0.00089%); highest among the groups gnomAD compares: African/African-American, 0.015%; no homozygotes.

Submission:

Labcorp Genetics (formerly Invitae), Labcorp
Classification: Uncertain significance. Last evaluated: 2025-12-01. Review status: criteria provided, single submitter. Criteria: Invitae Variant Classification Sherloc (09022015). Collection method: clinical testing. Allele origin: germline.
Comment: This sequence change affects codon 920 of the NUP107 mRNA. It is a 'silent' change, meaning that it does not change the encoded amino acid sequence of the NUP107 protein. The frequency data for this variant in the population databases is considered unreliable, as metrics indicate poor data quality at this position in the gnomAD database. This variant has not been reported in the literature in individuals affected with NUP107-related conditions. ClinVar contains an entry for this variant (Variation ID: 2184343). Algorithms developed to predict the effect of sequence changes on RNA splicing suggest that this variant may disrupt the consensus splice site. In summary, the available evidence is currently insufficient to determine the role of this variant in disease. Therefore, it has been classified as a Variant of Uncertain Significance.

NM_020401.4(NUP107):c.2760G>T (p.Gly920=)

Gene: NUP107 (nucleoporin 107; plus strand). Cytogenetic location: 12q15.
Variant type: single nucleotide variant.
Coding change: c.2760G>T on transcript NM_020401.4 (MANE Select); coding-DNA position 2760, G replaced by T.
Protein change: p.Gly920=; no amino-acid change (glycine 920 retained).
Molecular consequence: synonymous variant.
Genome position (GRCh38, 1-based): chr12:68,742,444, G>T. VCF-style: chr12-68742444-G-T. GRCh37 (hg19) VCF-style: chr12-69136224-G-T.
Other names: c.2673G>T, p.Gly891= (NM_001330192.2).
Identifiers: ClinVar variation 2184343 (VCV002184343.4), dbSNP rs141296706, ClinGen allele CA6678208.
Genomic context (GRCh38, chr12:68,742,444, plus strand): 5'-GCTGCAGAAGCTCAGAGAGTCCTCTCTAATGCTCCTAGACCAGGGACTTGACCCATTAGG[G>T]TATGAAATTCAGTTATAGTTTAATCTTTGTAATCTCACTAATTTTCATGATAAATGAAGT-3'
Protein context (NP_065134.1, residues 910-925): MLLDQGLDPL[Gly920=]YEIQL